The following is an entry in ClinVar:

NM_206933.4(USH2A):c.15520-10T>C

Gene: USH2A (usherin; minus strand). Cytogenetic location: 1q41.
Variant type: single nucleotide variant.
Coding change: c.15520-10T>C on transcript NM_206933.4 (MANE Select); 10 bases into the intron before coding-DNA position 15520, T replaced by C.
Molecular consequence: intron variant.
Genome position (GRCh38, 1-based): chr1:215,625,880, A>G on the plus strand (T>C on the coding strand, the complement: USH2A is on the minus strand). VCF-style: chr1-215625880-A-G. GRCh37 (hg19) VCF-style: chr1-215799222-A-G.
Identifiers: ClinVar variation 1956917 (VCV001956917.6), dbSNP rs2464739257, ClinGen allele CA2574000436.

ClinVar aggregate classification (germline): Conflicting classifications of pathogenicity. Review status: criteria provided, conflicting classifications (1 of 4 stars). 2 submissions from 2 submitters: Uncertain significance (1); Likely benign (1). Last evaluated 2024-12-02.

Allele frequency attached by ClinVar (database versions not stated): gnomAD exomes 0.00001.
gnomAD v4.1: 14 of 1,613,348 alleles (0.00087%); highest among the groups gnomAD compares: Non-Finnish European, 0.0012%; no homozygotes.

Submissions (2):

GeneDx
Classification: Uncertain significance. Last evaluated: 2024-12-02. Review status: criteria provided, single submitter. Criteria: GeneDx Variant Classification Process June 2021. Collection method: clinical testing. Allele origin: germline. Affected: yes.
Comment: Not observed in large population cohorts (gnomAD); In silico analysis indicates that this variant does not alter splicing; Has not been previously published as pathogenic or benign to our knowledge

Labcorp Genetics (formerly Invitae), Labcorp
Classification: Likely benign. Last evaluated: 2022-12-19. Review status: criteria provided, single submitter. Criteria: Invitae Variant Classification Sherloc (09022015). Collection method: clinical testing. Allele origin: germline.